The following is an entry in ClinVar:

NM_174878.3(CLRN1):c.92C>T (p.Pro31Leu)

Gene: CLRN1 (clarin 1; minus strand). Cytogenetic location: 3q25.1.
Variant type: single nucleotide variant.
Coding change: c.92C>T on transcript NM_174878.3 (MANE Select); coding-DNA position 92, C replaced by T.
Protein change: p.Pro31Leu; replaces proline 31 with leucine.
Molecular consequence: missense variant. On other transcripts: non-coding transcript variant (1).
Genome position (GRCh38, 1-based): chr3:150,972,617, G>A on the plus strand (C>T on the coding strand, the complement: CLRN1 is on the minus strand). VCF-style: chr3-150972617-G-A. GRCh37 (hg19) VCF-style: chr3-150690404-G-A.
Other names: c.92C>T, p.Pro31Leu (NM_001195794.1, NM_001256819.2); short protein forms P31L.
Identifiers: ClinVar variation 30575 (VCV000030575.12), dbSNP rs374390376, ClinGen allele CA129342.

ClinVar aggregate classification (germline): Pathogenic. Review status: criteria provided, multiple submitters, no conflicts (2 of 4 stars). 3 submissions from 3 submitters: Pathogenic (2). 1 of the submissions does not count toward it. Last evaluated 2023-04-03.

Conditions:
CLRN1-related disorder. Also called: CLRN1-related condition.
Retinitis pigmentosa 61 (RP61). Identifiers: Orphanet 791, MedGen C3280041, MONDO:0013610, OMIM 614180.

Submissions (3):

Labcorp Genetics (formerly Invitae), Labcorp
Classification: Pathogenic. Last evaluated: 2023-04-03. Review status: criteria provided, single submitter. Criteria: Invitae Variant Classification Sherloc (09022015). Collection method: clinical testing. Allele origin: germline.
Comment: For these reasons, this variant has been classified as Pathogenic. Experimental studies have shown that this missense change affects CLRN1 function (PMID: 21310491). An algorithm developed to predict the effect of missense changes on protein structure and function (PolyPhen-2) suggests that this variant is likely to be disruptive. ClinVar contains an entry for this variant (Variation ID: 30575). This missense change has been observed in individual(s) with retinitis pigmentosa (PMID: 21310491). It has also been observed to segregate with disease in related individuals. This variant is not present in population databases (gnomAD no frequency). This sequence change replaces proline, which is neutral and non-polar, with leucine, which is neutral and non-polar, at codon 31 of the CLRN1 protein (p.Pro31Leu).

Blueprint Genetics
Classification: Pathogenic for CLRN1-related disorders. Last evaluated: 2018-10-24. Review status: criteria provided, single submitter. Criteria: ACMG Guidelines, 2015. Collection method: clinical testing. Allele origin: germline. Affected: yes. Observed: 1 variant allele.

OMIM
Classification: Pathogenic for RETINITIS PIGMENTOSA 61. Last evaluated: 2011-07-01. Review status: no assertion criteria provided. Collection method: literature only. Allele origin: germline. Not counted in ClinVar's aggregate classification.

Literature cited by the submitters: PubMed 21310491 (cited by Labcorp Genetics (formerly Invitae), Labcorp and OMIM).